The following is an entry in ClinVar:

ClinVar aggregate classification (germline): Uncertain significance (1 of 4 stars; one submission).

Conditions:
Marfan syndrome (MFS). Also called: MARFAN SYNDROME, TYPE I; Marfan syndrome, classic; FBN1-Related Marfan Syndrome; Marfan syndrome type 1; Marfan's syndrome. Identifiers: Orphanet 284963, Orphanet 558, MedGen C0024796, MONDO:0007947, OMIM 154700.

Submission:

Women's Health and Genetics/Laboratory Corporation of America, LabCorp
Classification: Uncertain significance for Marfan Syndrome. Last evaluated: 2011-08-18. Review status: criteria provided, single submitter. Criteria: LabCorp Variant Classification Summary - May 2015. Collection method: clinical testing. Allele origin: not applicable. Inheritance: autosomal dominant.
ClinVar note: Converted during submission from uncertain to Uncertain significance.

Literature cited by the submitters: PubMed 16220557.

NM_000138.5(FBN1):c.165-46CTT[2]

Gene: FBN1 (fibrillin 1; minus strand). Cytogenetic location: 15q21.1.
Variant type: Microsatellite.
Coding change: c.165-46CTT[2] on transcript NM_000138.5 (MANE Select); two copies in a row of the 3-base unit CTT starting at c.165-46; the reference has three copies in a row; one copy, 3 bases deleted.
Molecular consequence: intron variant.
Genome position (GRCh38, 1-based): chr15:48,613,130-48,613,132, AAG deleted on the plus strand (CTT on the coding strand, the reverse complement: FBN1 is on the minus strand); deleting any 3 consecutive bases within chr15:48,613,130-48,613,139 gives the same sequence; the position shown is the placement nearest the transcript's 3' end. VCF-style (leftmost placement, unchanged base first): chr15-48613129-AAAG-A. GRCh37 (hg19) VCF-style: chr15-48905326-AAAG-A.
Identifiers: ClinVar variation 36036 (VCV000036036.4), dbSNP rs386134232, ClinGen allele CA012408.